The following is an entry in ClinVar:

ClinVar aggregate classification (germline): Conflicting classifications of pathogenicity. Review status: criteria provided, conflicting classifications (1 of 4 stars). 9 submissions from 9 submitters: Uncertain significance (6); Likely benign (3). Last evaluated 2025-07-31.

Conditions:
Hereditary cancer-predisposing syndrome. Also called: Neoplastic Syndromes, Hereditary; Hereditary Cancer Syndrome; Tumor predisposition; Hereditary neoplastic syndrome. Identifiers: Orphanet 140162, MedGen C0027672, MeSH D009386, MONDO:0015356.
Hereditary breast ovarian cancer syndrome. Also called: BRCA1- and BRCA2-Associated Hereditary Breast and Ovarian Cancer; Hereditary breast and ovarian cancer syndrome (HBOC); Hereditary breast and ovarian cancer syndrome; Hereditary breast and ovarian cancer; Hereditary breast and/or ovarian cancer syndrome; Breast and ovarian cancer. Identifiers: Orphanet 145, MedGen C0677776, MeSH D061325, MONDO:0003582. Disease mechanism: loss of function.
Breast-ovarian cancer, familial, susceptibility to, 2 (BROVCA2). Also called: BRCA2 Hereditary Breast and Ovarian Cancer. Identifiers: Orphanet 145, MedGen C2675520, MONDO:0012933, OMIM 612555. Disease mechanism: loss of function.

Allele frequency attached by ClinVar (database versions not stated): gnomAD exomes below 0.00001 and 0.00001.
gnomAD v4.1: 5 of 1,604,768 alleles (0.00031%); highest among the groups gnomAD compares: Non-Finnish European, 0.00042%; no homozygotes.

Submissions (9):

Labcorp Genetics (formerly Invitae), Labcorp
Classification: Likely benign for Hereditary breast ovarian cancer syndrome. Last evaluated: 2025-07-31. Review status: criteria provided, single submitter. Criteria: Invitae Variant Classification Sherloc (09022015). Collection method: clinical testing. Allele origin: germline.

Center for Genomic Medicine, Rigshospitalet, Copenhagen University Hospital
Classification: Uncertain significance. Last evaluated: 2025-03-04. Review status: criteria provided, single submitter. Criteria: ACMG Guidelines, 2015. Collection method: clinical testing. Allele origin: germline.

All of Us Research Program, National Institutes of Health
Classification: Uncertain significance for Breast-ovarian cancer, familial, susceptibility to, 2. Last evaluated: 2023-11-30. Review status: criteria provided, single submitter. Criteria: ACMG Guidelines, 2015. Collection method: clinical testing. Allele origin: germline. Inheritance: Autosomal dominant inheritance. Observed: 1 variant allele, 1 heterozygote.
Comment: This missense variant replaces glutamic acid with glutamine at codon 2175 of the BRCA2 protein. Computational prediction is inconclusive regarding the impact of this variant on protein structure and function (internally defined REVEL score threshold 0.5 < inconclusive < 0.7, PMID: 27666373). To our knowledge, functional studies have not been reported for this variant. This variant has been reported in individuals affected with breast and pancreatic cancer (PMID: 19818148, 20195775). This variant has been identified in 1/242364 chromosomes in the general population by the Genome Aggregation Database (gnomAD). The available evidence is insufficient to determine the role of this variant in disease conclusively. Therefore, this variant is classified as a Variant of Uncertain Significance.

This study involves interpretation of variants in research participants for the purpose of population health screening. Participant phenotype was not available at the time of variant classification. Additional details can be found in publication PMID: 35346344, PMCID: PMC8962531

Quest Diagnostics Nichols Institute San Juan Capistrano
Classification: Uncertain significance. Last evaluated: 2023-08-16. Review status: criteria provided, single submitter. Criteria: Quest Diagnostics criteria. Collection method: clinical testing. Allele origin: unknown.
Comment: In the published literature, this variant has been reported in individuals with pancreatic cancer (PMID: 30883245 (2019)) and gastric cancer (PMID: 18442100 (2008)). This variant is also located in a region of the BRCA2 gene that is tolerant to missense sequence changes (PMID: 31911673 (2020)). The frequency of this variant in the general population, 0.0000041 (1/242364 chromosomes (Genome Aggregation Database)), is uninformative in the assessment of its pathogenicity. Analysis of this variant using bioinformatics tools for the prediction of the effect of amino acid changes on protein structure and function yielded predictions that this variant is benign. Based on the available information, we are unable to determine the clinical significance of this variant.

University of Washington Department of Laboratory Medicine, University of Washington
Classification: Likely benign for Hereditary cancer-predisposing syndrome. Last evaluated: 2023-03-23. Review status: criteria provided, single submitter. Criteria: Dines et al. (Genet Med. 2020). Collection method: curation. Allele origin: germline.
Comment: Missense variant in a coldspot region where missense variants are very unlikely to be pathogenic (PMID:31911673).

BRCA2 exon 11 coldspot. Reclassification based on statistical prior probability.

Color Diagnostics, LLC DBA Color Health
Classification: Uncertain significance for Hereditary cancer-predisposing syndrome. Last evaluated: 2022-05-17. Review status: criteria provided, single submitter. Criteria: ACMG Guidelines, 2015. Collection method: clinical testing. Allele origin: germline.
Comment: This missense variant replaces glutamic acid with glutamine at codon 2175 of the BRCA2 protein. Computational prediction is inconclusive regarding the impact of this variant on protein structure and function (internally defined REVEL score threshold 0.5 < inconclusive < 0.7, PMID: 27666373). To our knowledge, functional studies have not been reported for this variant. This variant has been reported in individuals affected with breast and pancreatic cancer (PMID: 19818148, 20195775). This variant has been identified in 1/242364 chromosomes in the general population by the Genome Aggregation Database (gnomAD). The available evidence is insufficient to determine the role of this variant in disease conclusively. Therefore, this variant is classified as a Variant of Uncertain Significance.

CeGaT Center for Human Genetics Tuebingen
Classification: Uncertain significance. Last evaluated: 2020-07-01. Review status: criteria provided, single submitter. Criteria: CeGaT Center For Human Genetics Tuebingen Variant Classification Criteria Version 2. Collection method: clinical testing. Allele origin: germline. Affected: yes. Observed: 1 variant allele.

Ambry Genetics
Classification: Likely benign for Hereditary cancer-predisposing syndrome. Last evaluated: 2020-06-12. Review status: criteria provided, single submitter. Criteria: Ambry Variant Classification Scheme 2023. Collection method: clinical testing. Allele origin: germline.

GeneDx
Classification: Uncertain significance. Last evaluated: 2017-03-19. Review status: criteria provided, single submitter. Criteria: GeneDx Variant Classification (06012015). Collection method: clinical testing. Allele origin: germline. Affected: yes.
Comment: This variant is denoted BRCA2 c.6523G>C at the cDNA level, p.Glu2175Gln (E2175Q) at the protein level, and results in the change of a Glutamic Acid to a Glutamine (GAG>CAG). Using alternate nomenclature, this variant would be defined as BRCA2 6751G>C. Slater et al. (2010) identified BRCA2 Glu2175Gln in an individual with pancreatic cancer who had a family history of breast and pancreatic cancer. Segregation analysis to determine whether BRCA2 Glu2175Gln tracked with disease was not performed in either of these families. BRCA2 Glu2175Gln was not observed in approximately 6,500 individuals of European and African American ancestry in the NHLBI Exome Sequencing Project, indicating it is not a common benign variant in these populations. Since Glutamic Acid and Glutamine differ in some properties, this is considered a semi-conservative amino acid substitution. BRCA2 Glu2175Gln occurs at a position that is not conserved and is not located in a known functional domain (UniProt, Roy 2012, Narod 2004). In silico analyses predict that this variant is unlikely to alter protein structure or function. Based on currently available evidence, it is unclear whether BRCA2 Glu2175Gln is pathogenic or benign. We consider it to be a variant of uncertain significance.

Literature cited by the submitters: PubMed 18442100 (cited by 3 submitters); PubMed 20195775 (cited by 4 submitters); PubMed 19818148 (cited by All of Us Research Program, National Institutes of Health and Color Diagnostics, LLC DBA Color Health); PubMed 31911673 (cited by Quest Diagnostics Nichols Institute San Juan Capistrano); PubMed 30883245 (cited by Quest Diagnostics Nichols Institute San Juan Capistrano and Ambry Genetics).

NM_000059.4(BRCA2):c.6523G>C (p.Glu2175Gln)

Gene: BRCA2 (BRCA2 DNA repair associated; plus strand). Cytogenetic location: 13q13.1.
Variant type: single nucleotide variant.
Coding change: c.6523G>C on transcript NM_000059.4 (MANE Select); coding-DNA position 6523, G replaced by C.
Protein change: p.Glu2175Gln; replaces glutamic acid 2175 with glutamine.
Molecular consequence: missense variant.
Genome position (GRCh38, 1-based): chr13:32,340,878, G>C. VCF-style: chr13-32340878-G-C. GRCh37 (hg19) VCF-style: chr13-32915015-G-C.
Other names: short protein forms E2175Q.
Identifiers: ClinVar variation 230145 (VCV000230145.60), dbSNP rs876658412, ClinGen allele CA10577481.
Genomic context (GRCh38, chr13:32,340,878, plus strand): 5'-CTCTCTCAATTTCAACAAGACAAACAACAGTTGGTATTAGGAACCAAAGTGTCACTTGTT[G>C]AGAACATTCATGTTTTGGGAAAAGAACAGGCTTCACCTAAAAACGTAAAAATGGAAATTG-3'
Protein context (NP_000050.3, residues 2165-2185): LVLGTKVSLV[Glu2175Gln]NIHVLGKEQA